The following is an entry in ClinVar:

ClinVar aggregate classification (germline): Uncertain significance (1 of 4 stars; one submission).

Conditions:
Townes syndrome (TBS). Also called: Townes-Brocks syndrome. Identifiers: Orphanet 857, MedGen C0265246, MeSH C536974, MONDO:0007142.

Allele frequency attached by ClinVar (database versions not stated): gnomAD 0.00003; TOPMed 0.00003; ExAC 0.00001.
gnomAD v4.1: 12 of 1,613,994 alleles (0.00074%); highest among the groups gnomAD compares: East Asian, 0.011%; no homozygotes.

Submission:

Labcorp Genetics (formerly Invitae), Labcorp
Classification: Uncertain significance for Townes syndrome. Last evaluated: 2023-07-07. Review status: criteria provided, single submitter. Criteria: Invitae Variant Classification Sherloc (09022015). Collection method: clinical testing. Allele origin: germline.
Comment: This variant is present in population databases (rs770994694, gnomAD 0.004%). Advanced modeling of protein sequence and biophysical properties (such as structural, functional, and spatial information, amino acid conservation, physicochemical variation, residue mobility, and thermodynamic stability) performed at Invitae indicates that this missense variant is not expected to disrupt SALL1 protein function. ClinVar contains an entry for this variant (Variation ID: 2048044). This variant has not been reported in the literature in individuals affected with SALL1-related conditions. This sequence change replaces alanine, which is neutral and non-polar, with valine, which is neutral and non-polar, at codon 652 of the SALL1 protein (p.Ala652Val). In summary, the available evidence is currently insufficient to determine the role of this variant in disease. Therefore, it has been classified as a Variant of Uncertain Significance.

NM_002968.3(SALL1):c.1955C>T (p.Ala652Val)

Gene: SALL1 (spalt like transcription factor 1; minus strand). Cytogenetic location: 16q12.1.
Variant type: single nucleotide variant.
Coding change: c.1955C>T on transcript NM_002968.3 (MANE Select); coding-DNA position 1955, C replaced by T.
Protein change: p.Ala652Val; replaces alanine 652 with valine.
Molecular consequence: missense variant.
Genome position (GRCh38, 1-based): chr16:51,140,267, G>A on the plus strand (C>T on the coding strand, the complement: SALL1 is on the minus strand). VCF-style: chr16-51140267-G-A. GRCh37 (hg19) VCF-style: chr16-51174178-G-A.
Other names: c.1664C>T, p.Ala555Val (NM_001127892.2); short protein forms A652V, A555V.
Identifiers: ClinVar variation 2048044 (VCV002048044.4), dbSNP rs770994694, ClinGen allele CA8053189.
Genomic context (GRCh38, chr16:51,140,267, plus strand): 5'-GCCTTGAACTGCTCGGACATGAGCGGCAACAAAGGGTTGGTGAAGGTGGTGGCACTGCCC[G>A]CGGGGCCGCAGTCTGCCGCTGGGGAGCTCAGGACGCTACTGCTCGCCGTCGGGACTGAGT-3'
Protein context (NP_002959.2, residues 642-662): LSSPAADCGP[Ala652Val]GSATTFTNPL